The following is an entry in ClinVar:

NM_000548.5(TSC2):c.1149del (p.Ile383fs)

Gene: TSC2 (TSC complex subunit 2; plus strand). Cytogenetic location: 16p13.3.
Variant type: Deletion.
Coding change: c.1149del on transcript NM_000548.5 (MANE Select); coding-DNA position 1149, one base deleted (C; older notation c.1149delC).
Protein change: p.Ile383fs; shifts the reading frame from isoleucine 383.
Molecular consequence: frameshift variant. On other transcripts: 5 prime UTR variant (10), non-coding transcript variant (5).
Genome position (GRCh38, 1-based): chr16:2,061,900, C deleted. VCF-style (leftmost placement, unchanged base first): chr16-2061899-TC-T. GRCh37 (hg19) VCF-style: chr16-2111900-TC-T.
Other names: c.1149del, p.Ile383fs (NM_001077183.3, NM_001114382.3, NM_001363528.2 and 6 more transcripts); c.1038del, p.Ile346fs (NM_001318827.2, NM_001406670.1, NM_001406678.1); c.1002del, p.Ile334fs (NM_001318829.2, NM_001406675.1, NM_001406676.1 and 1 more transcripts); c.549del, p.Ile183fs (NM_001318831.2, NM_001406680.1, NM_001406682.1 and 6 more transcripts); c.1182del, p.Ile394fs (NM_001318832.2); c.1239del, p.Ile413fs (NM_001406667.1, NM_001406668.1); c.1137del, p.Ile379fs (NM_001406671.1, NM_001406673.1); c.1092del, p.Ile364fs (NM_001406677.1); and 4 more; short protein forms I364fs, I229fs, I346fs, I383fs, I413fs, I183fs, I334fs, I379fs.
Identifiers: ClinVar variation 2810243 (VCV002810243.3), dbSNP rs2548536950, ClinGen allele CA2739269899.

ClinVar aggregate classification (germline): Pathogenic (1 of 4 stars; one submission).

Conditions:
Tuberous sclerosis 2 (TSC2). Identifiers: Orphanet 805, MedGen C1860707, MONDO:0013199, OMIM 613254.

Submission:

Labcorp Genetics (formerly Invitae), Labcorp
Classification: Pathogenic for Tuberous sclerosis 2. Last evaluated: 2022-10-27. Review status: criteria provided, single submitter. Criteria: Invitae Variant Classification Sherloc (09022015). Collection method: clinical testing. Allele origin: germline.
Comment: This variant is not present in population databases (gnomAD no frequency). This variant has not been reported in the literature in individuals affected with TSC2-related conditions. For these reasons, this variant has been classified as Pathogenic. This sequence change creates a premature translational stop signal (p.Ile383Metfs*6) in the TSC2 gene. It is expected to result in an absent or disrupted protein product. Loss-of-function variants in TSC2 are known to be pathogenic (PMID: 10205261, 17304050).

Literature cited by the submitters: PubMed 10205261; PubMed 17304050.